The following is an entry in ClinVar:

ClinVar aggregate classification (germline): Likely pathogenic. Review status: criteria provided, multiple submitters, no conflicts (2 of 4 stars). 2 submissions from 2 submitters: Likely pathogenic (2). Last evaluated 2026-08-24.

Conditions:
RBP3-related disorder. Also called: RBP3-related condition.

Submissions (2):

GeneDx
Classification: Likely pathogenic. Last evaluated: 2026-08-24. Review status: criteria provided, single submitter. Criteria: GeneDx Variant Classification Process June 2021. Collection method: clinical testing. Allele origin: germline.
Comment: Identified in a cohort tested to determine the worldwide carrier frequency of autosomal recessive inherited retinal diseases in published literature (PMID: 31964843); Not observed at significant frequency in large population cohorts (gnomAD); Canonical splice site variant predicted to result in a null allele in a gene for which loss of function is a known mechanism of disease; This variant is associated with the following publications: (PMID: 31964843)

Blueprint Genetics
Classification: Likely pathogenic for RBP3-related disorders. Last evaluated: 2022-04-11. Review status: criteria provided, single submitter. Criteria: ACMG Guidelines, 2015. Collection method: clinical testing. Allele origin: germline. Affected: yes. Observed: 4 variant alleles.

NM_002900.3(RBP3):c.3245+1del

Gene: RBP3 (retinol binding protein 3; plus strand). Cytogenetic location: 10q11.22.
Variant type: Deletion.
Coding change: c.3245+1del on transcript NM_002900.3 (MANE Select); the canonical splice donor site of the intron after coding-DNA position 3245, one base deleted (G; older notation c.3245+1delG).
Molecular consequence: splice donor variant.
Genome position (GRCh38, 1-based): chr10:47,353,516, G deleted; the last of 2 consecutive G bases (chr10:47,353,515-47,353,516); deleting either gives the same sequence. VCF-style (leftmost placement, unchanged base first): chr10-47353514-AG-A. GRCh37 (hg19) VCF-style: chr10-48385845-AC-A.
Identifiers: ClinVar variation 632135 (VCV000632135.6), dbSNP rs868975969, ClinGen allele CA376676690.